The following is an entry in ClinVar:

ClinVar aggregate classification (germline): Uncertain significance (1 of 4 stars; one submission).

Allele frequency attached by ClinVar (database versions not stated): gnomAD exomes below 0.00001; ExAC 0.00001; gnomAD 0.00001; 1000 Genomes Project 30x 0.00016; 1000 Genomes Project 0.00020.
gnomAD v4.1: 2 of 1,613,848 alleles (0.00012%); highest among the groups gnomAD compares: African/African-American, 0.0013%; no homozygotes.

Submission:

GeneDx
Classification: Uncertain significance. Last evaluated: 2023-04-26. Review status: criteria provided, single submitter. Criteria: GeneDx Variant Classification Process June 2021. Collection method: clinical testing. Allele origin: germline. Affected: yes.
Comment: In silico analysis supports that this missense variant does not alter protein structure/function; Has not been previously published as pathogenic or benign to our knowledge

NM_015057.5(MYCBP2):c.13627G>A (p.Val4543Met)

Gene: MYCBP2 (MYC binding protein 2; minus strand). Cytogenetic location: 13q22.3.
Variant type: single nucleotide variant.
Coding change: c.13627G>A on transcript NM_015057.5 (MANE Select); coding-DNA position 13627, G replaced by A.
Protein change: p.Val4543Met; replaces valine 4543 with methionine.
Molecular consequence: missense variant.
Genome position (GRCh38, 1-based): chr13:77,055,578, C>T on the plus strand (G>A on the coding strand, the complement: MYCBP2 is on the minus strand). VCF-style: chr13-77055578-C-T. GRCh37 (hg19) VCF-style: chr13-77629713-C-T.
Other names: short protein forms V4543M.
Identifiers: ClinVar variation 2662859 (VCV002662859.1), dbSNP rs567496054, ClinGen allele CA7007620.